The following is an entry in ClinVar:

NM_004714.3(DYRK1B):c.1095+3G>A

Gene: DYRK1B (dual specificity tyrosine phosphorylation regulated kinase 1B; minus strand). Cytogenetic location: 19q13.2.
Variant type: single nucleotide variant.
Coding change: c.1095+3G>A on transcript NM_004714.3 (MANE Select); 3 bases into the intron after coding-DNA position 1095, G replaced by A.
Molecular consequence: intron variant.
Genome position (GRCh38, 1-based): chr19:39,827,282, C>T on the plus strand (G>A on the coding strand, the complement: DYRK1B is on the minus strand). VCF-style: chr19-39827282-C-T. GRCh37 (hg19) VCF-style: chr19-40317922-C-T.
Other names: c.1095+3G>A (NM_006483.3, NM_006484.3).
Identifiers: ClinVar variation 4979260 (VCV004979260.1).

ClinVar aggregate classification (germline): Likely benign (1 of 4 stars; one submission).

Conditions:
DYRK1B-related disorder. Also called: DYRK1B-related condition.

gnomAD v4.1: 1 of 1,608,176 alleles (0.000062%); highest among the groups gnomAD compares: Middle Eastern, 0.017%; no homozygotes.

Submission:

PreventionGenetics, part of Exact Sciences
Classification: Likely benign for DYRK1B-related condition. Last evaluated: 2025-06-10. Review status: criteria provided, single submitter. Criteria: ACMG Guidelines, 2015. Collection method: clinical testing. Allele origin: germline.
Comment: This variant is classified as likely benign based on ACMG/AMP sequence variant interpretation guidelines (Richards et al. 2015 PMID: 25741868, with internal and published modifications).